The following is an entry in ClinVar:

NM_001127222.2(CACNA1A):c.3770G>A (p.Ser1257Asn)

Gene: CACNA1A (calcium voltage-gated channel subunit alpha1 A; minus strand). Cytogenetic location: 19p13.13.
Variant type: single nucleotide variant.
Coding change: c.3770G>A on transcript NM_001127222.2 (MANE Select); coding-DNA position 3770, G replaced by A.
Protein change: p.Ser1257Asn; replaces serine 1257 with asparagine.
Molecular consequence: missense variant.
Genome position (GRCh38, 1-based): chr19:13,283,319, C>T on the plus strand (G>A on the coding strand, the complement: CACNA1A is on the minus strand). VCF-style: chr19-13283319-C-T. GRCh37 (hg19) VCF-style: chr19-13394133-C-T.
Other names: c.3782G>A, p.Ser1261Asn (NM_000068.4, NM_023035.3); c.3773G>A, p.Ser1258Asn (NM_001127221.2, NM_001174080.2); short protein forms S1257N, S1258N, S1261N.
Identifiers: ClinVar variation 1309521 (VCV001309521.2), dbSNP rs2144871537, ClinGen allele CA404340634.

ClinVar aggregate classification (germline): Uncertain significance (1 of 4 stars; one submission).

Submission:

GeneDx
Classification: Uncertain significance. Last evaluated: 2019-10-25. Review status: criteria provided, single submitter. Criteria: GeneDx Variant Classification Process June 2021. Collection method: clinical testing. Allele origin: germline. Affected: yes.
Comment: Not observed in large population cohorts (Lek et al., 2016); In silico analysis, which includes protein predictors and evolutionary conservation, supports a deleterious effect; Has not been previously published as pathogenic or benign to our knowledge